The following is an entry in ClinVar:

ClinVar aggregate classification (germline): Benign/Likely benign. Review status: criteria provided, multiple submitters, no conflicts (2 of 4 stars). 4 submissions from 4 submitters: Benign (2); Likely benign (1). 1 of the submissions does not count toward it. Last evaluated 2026-05-09.

Conditions:
Short stature due to primary acid-labile subunit deficiency. Also called: Acid-labile subunit deficiency; Acid-labile subunit, deficiency of. Identifiers: Orphanet 140941, MedGen C3900122, MONDO:0014420, OMIM 615961.
IGFALS-related disorder. Also called: IGFALS-related condition.

Allele frequency attached by ClinVar (database versions not stated): TOPMed 0.08442; ExAC 0.06278; ESP Exome Variant Server 0.08131; 1000 Genomes Project 0.09145; 1000 Genomes Project 30x 0.09681.
gnomAD v4.1: 29,429 of 1,583,154 alleles (1.9%); highest among the groups gnomAD compares: African/African-American, 26%; 2,959 homozygotes.

Submissions (4):

Women's Health and Genetics/Laboratory Corporation of America, LabCorp
Classification: Likely benign. Last evaluated: 2026-05-09. Review status: criteria provided, single submitter. Criteria: LabCorp Variant Classification Summary - May 2015. Collection method: clinical testing. Allele origin: germline.

Illumina Laboratory Services, Illumina
Classification: Benign for Short stature due to primary acid-labile subunit deficiency. Last evaluated: 2018-01-12. Review status: criteria provided, single submitter. Criteria: ICSL Variant Classification Criteria 13 December 2019. Collection method: clinical testing. Allele origin: germline.
Comment: This variant was observed in the ICSL laboratory as part of a predisposition screen in an ostensibly healthy population. It had not been previously curated by ICSL or reported in the Human Gene Mutation Database (HGMD: prior to June 1st, 2018), and was therefore a candidate for classification through an automated scoring system. Utilizing variant allele frequency, disease prevalence and penetrance estimates, and inheritance mode, an automated score was calculated to assess if this variant is too frequent to cause the disease. Based on the score and internal cut-off values, a variant classified as benign is not then subjected to further curation. The score for this variant resulted in a classification of benign for this disease.

Breakthrough Genomics
Classification: Benign. Review status: criteria provided, single submitter. Criteria: ACMG Guidelines, 2015. Collection method: not provided. Allele origin: germline. Inheritance: Autosomal recessive inheritance. Affected: yes.

PreventionGenetics, part of Exact Sciences
Classification: Benign for IGFALS-related condition. Last evaluated: 2019-11-06. Review status: no assertion criteria provided. Collection method: clinical testing. Allele origin: germline. Not counted in ClinVar's aggregate classification.
Comment: This variant is classified as benign based on ACMG/AMP sequence variant interpretation guidelines (Richards et al. 2015 PMID: 25741868, with internal and published modifications).

NM_004970.3(IGFALS):c.1642C>T (p.Arg548Trp)

Gene: IGFALS (insulin like growth factor binding protein acid labile subunit; minus strand). Cytogenetic location: 16p13.3.
Variant type: single nucleotide variant.
Coding change: c.1642C>T on transcript NM_004970.3 (MANE Select); coding-DNA position 1642, C replaced by T.
Protein change: p.Arg548Trp; replaces arginine 548 with tryptophan.
Molecular consequence: missense variant. On other transcripts: non-coding transcript variant (1).
Genome position (GRCh38, 1-based): chr16:1,790,776, G>A on the plus strand (C>T on the coding strand, the complement: IGFALS is on the minus strand). VCF-style: chr16-1790776-G-A. GRCh37 (hg19) VCF-style: chr16-1840777-G-A.
Other names: c.1756C>T, p.Arg586Trp (NM_001146006.2); short protein forms R548W, R586W.
Identifiers: ClinVar variation 318235 (VCV000318235.9), dbSNP rs9282731, ClinGen allele CA7820252.
Genomic context (GRCh38, chr16:1,790,776, plus strand): 5'-CCTCACAGATGGCCTGGACGAAGCGGGGCACAGCACTGGGGTTCTGCAGGGCGAAGTCCC[G>A]CAGCGCCTTGAGAGGGCAGCCACAGTCCCAGGGGTTACCCTCCAGCCACAGGCGCTCCAG-3'
Protein context (NP_004961.1, residues 538-558): WDCGCPLKAL[Arg548Trp]DFALQNPSAV